The following is an entry in ClinVar:

ClinVar aggregate classification (germline): Uncertain significance. Review status: criteria provided, multiple submitters, no conflicts (2 of 4 stars). 3 submissions from 3 submitters: Uncertain significance (3). Last evaluated 2023-04-11.

Conditions:
Developmental and epileptic encephalopathy, 18 (DEE18). Also called: Early infantile epileptic encephalopathy 18. Identifiers: Orphanet 369894, MedGen C3809624, MONDO:0014201, OMIM 615476.
Inborn genetic diseases. Identifiers: MedGen C0950123, MeSH D030342.

Allele frequency attached by ClinVar (database versions not stated): gnomAD 0.00001; TOPMed 0.00001.
gnomAD v4.1: 24 of 1,613,902 alleles (0.0015%); highest among the groups gnomAD compares: Non-Finnish European, 0.0019%; no homozygotes.

Submissions (3):

Genome-Nilou Lab
Classification: Uncertain significance for Developmental and epileptic encephalopathy, 18. Last evaluated: 2023-04-11. Review status: criteria provided, single submitter. Criteria: ACMG Guidelines, 2015. Collection method: clinical testing. Allele origin: germline. Affected: no.

Ambry Genetics
Classification: Uncertain significance for Inborn genetic diseases. Last evaluated: 2023-03-06. Review status: criteria provided, single submitter. Criteria: Ambry Variant Classification Scheme 2023. Collection method: clinical testing. Allele origin: germline.

Labcorp Genetics (formerly Invitae), Labcorp
Classification: Uncertain significance. Last evaluated: 2022-05-05. Review status: criteria provided, single submitter. Criteria: Invitae Variant Classification Sherloc (09022015). Collection method: clinical testing. Allele origin: germline.
Comment: In summary, the available evidence is currently insufficient to determine the role of this variant in disease. Therefore, it has been classified as a Variant of Uncertain Significance. Algorithms developed to predict the effect of missense changes on protein structure and function are either unavailable or do not agree on the potential impact of this missense change (SIFT: "Tolerated"; PolyPhen-2: "Probably Damaging"; Align-GVGD: "Class C0"). This variant has not been reported in the literature in individuals affected with SZT2-related conditions. This variant is not present in population databases (gnomAD no frequency). This sequence change replaces isoleucine, which is neutral and non-polar, with leucine, which is neutral and non-polar, at codon 1385 of the SZT2 protein (p.Ile1385Leu).

NM_001365999.1(SZT2):c.4324A>C (p.Ile1442Leu)

Gene: SZT2 (SZT2 subunit of KICSTOR complex; plus strand). Cytogenetic location: 1p34.2.
Variant type: single nucleotide variant.
Coding change: c.4324A>C on transcript NM_001365999.1 (MANE Select); coding-DNA position 4324, A replaced by C.
Protein change: p.Ile1442Leu; replaces isoleucine 1442 with leucine.
Molecular consequence: missense variant.
Genome position (GRCh38, 1-based): chr1:43,430,026, A>C. VCF-style: chr1-43430026-A-C. GRCh37 (hg19) VCF-style: chr1-43895697-A-C.
Other names: c.4153A>C, p.Ile1385Leu (NM_015284.4); c.4153A>C (NM_015284.3); short protein forms I1385L, I1442L.
Identifiers: ClinVar variation 1931916 (VCV001931916.8), dbSNP rs769387963, ClinGen allele CA21636702.
Genomic context (GRCh38, chr1:43,430,026, plus strand): 5'-TGAGGGGTGACTGACATTCTAACCTCCTTCTAAACCCCACAACAGGAGAAGTTCCTAGAG[A>C]TCAGTCGTCTCCACTTCCGCACAGTGCCTTCCAATCCCCACTACTTCTTCTATTGCCCTC-3'
Protein context (NP_001352928.1, residues 1432-1452): HSVIQEKFLE[Ile1442Leu]SRLHFRTVPS